The following is an entry in ClinVar:

NM_001018005.2(TPM1):c.331C>T (p.Gln111Ter)

Gene: TPM1 (tropomyosin 1; plus strand). Cytogenetic location: 15q22.2.
Variant type: single nucleotide variant.
Coding change: c.331C>T on transcript NM_001018005.2 (MANE Select); coding-DNA position 331, C replaced by T.
Protein change: p.Gln111Ter; replaces glutamine 111 with a stop codon.
Molecular consequence: nonsense.
Genome position (GRCh38, 1-based): chr15:63,057,075, C>T. VCF-style: chr15-63057075-C-T. GRCh37 (hg19) VCF-style: chr15-63349274-C-T.
Other names: c.331C>T, p.Gln111Ter (NM_000366.6, NM_001018004.2, NM_001018006.2 and 6 more transcripts); c.223C>T, p.Gln75Ter (NM_001018008.2, NM_001301289.2, NM_001330344.2 and 5 more transcripts); c.457C>T, p.Gln153Ter (NM_001365778.1); short protein forms Q111*, Q153*, Q75*.
Identifiers: ClinVar variation 1026300 (VCV001026300.6), dbSNP rs2034924162, ClinGen allele CA392721099.

ClinVar aggregate classification (germline): Uncertain significance (1 of 4 stars; one submission).

Conditions:
Hypertrophic cardiomyopathy. Also called: HYPERTROPHIC MYOCARDIOPATHY. Identifiers: Orphanet 217569, MedGen C0007194, MeSH D002312, MONDO:0005045, HP:0001639.

Submission:

Labcorp Genetics (formerly Invitae), Labcorp
Classification: Uncertain significance for Hypertrophic cardiomyopathy. Last evaluated: 2020-10-21. Review status: criteria provided, single submitter. Criteria: Invitae Variant Classification Sherloc (09022015). Collection method: clinical testing. Allele origin: germline.
Comment: In summary, the available evidence is currently insufficient to determine the role of this variant in disease. Therefore, it has been classified as a Variant of Uncertain Significance. This variant has not been reported in the literature in individuals with TPM1-related conditions. This variant is not present in population databases (ExAC no frequency). This sequence change creates a premature translational stop signal (p.Gln111*) in the TPM1 gene. It is expected to result in an absent or disrupted protein product. However, the current clinical and genetic evidence is not sufficient to establish whether loss-of-function variants in TPM1 cause disease.